The following is an entry in ClinVar:

NM_001042492.3(NF1):c.1721+6T>C

Gene: NF1 (neurofibromin 1; plus strand). Cytogenetic location: 17q11.2.
Variant type: single nucleotide variant.
Coding change: c.1721+6T>C on transcript NM_001042492.3 (MANE Select); 6 bases into the intron after coding-DNA position 1721, T replaced by C.
Molecular consequence: intron variant. On other transcripts: missense variant (1).
Genome position (GRCh38, 1-based): chr17:31,221,935, T>C. VCF-style: chr17-31221935-T-C. GRCh37 (hg19) VCF-style: chr17-29548953-T-C.
Other names: c.1727T>C, p.Met576Thr (NM_001128147.3); c.1721+6T>C (NM_000267.4); c.1727T>C (NM_001128147.2); short protein forms M576T.
Identifiers: ClinVar variation 1524680 (VCV001524680.9), dbSNP rs2144005065, ClinGen allele CA399002402.
Genomic context (GRCh38, chr17:31,221,935, plus strand): 5'-ATAGCATTGATTTGTGGAATCCTGATGCTCCTGTAGAAACATTTTGGGAGATTAGGTATA[T>C]GTACTTTTATTTTTTAAATTCAACTTTTAAATTTTATTTTGTATTTTTGTCTTGAAATAT-3'

ClinVar aggregate classification (germline): Conflicting classifications of pathogenicity. Review status: criteria provided, conflicting classifications (1 of 4 stars). 4 submissions from 4 submitters: Uncertain significance (3); Likely benign (1). Last evaluated 2026-07-06.

Conditions:
Cardiovascular phenotype. Identifiers: MedGen CN230736.
Hereditary cancer-predisposing syndrome. Also called: Hereditary Cancer Syndrome; Tumor predisposition; Neoplastic Syndromes, Hereditary; Hereditary neoplastic syndrome. Identifiers: Orphanet 140162, MedGen C0027672, MeSH D009386, MONDO:0015356.
Neurofibromatosis, type 1 (NF1). Also called: NEUROFIBROMATOSIS, TYPE I, SOMATIC; Peripheral type neurofibromatosis; VON RECKLINGHAUSEN DISEASE; Neurofibromatosis, type I. Identifiers: Orphanet 636, MedGen C0027831, MONDO:0018975, OMIM 162200. Disease mechanism: loss of function.
Neurofibromatosis, familial spinal (FSNF). Identifiers: Orphanet 636, MedGen C1834235, MONDO:0008078, OMIM 162210. Disease mechanism: loss of function.
Juvenile myelomonocytic leukemia (JMML). Also called: LEUKEMIA, JUVENILE MYELOMONOCYTIC, SOMATIC. Identifiers: Orphanet 86834, MedGen C0349639, MONDO:0011908, OMIM 607785, HP:0012209.
Neurofibromatosis-Noonan syndrome (NFNS). Also called: NEUROFIBROMATOSIS WITH NOONAN PHENOTYPE. Identifiers: Orphanet 638, MedGen C2931482, MONDO:0011035, OMIM 601321. Disease mechanism: loss of function.
Café-au-lait macules with pulmonary stenosis (WTSN). Also called: PULMONIC STENOSIS WITH CAFE-AU-LAIT SPOTS. Identifiers: MedGen C0553586, MONDO:0008672, OMIM 193520.

Allele frequency attached by ClinVar (database versions not stated): gnomAD exomes below 0.00001.
gnomAD v4.1: 3 of 1,584,746 alleles (0.00019%); highest among the groups gnomAD compares: African/African-American, 0.0014%; no homozygotes.

Submissions (4):

Ambry Genetics
Classification: Uncertain significance for Cardiovascular phenotype; Hereditary cancer-predisposing syndrome. Last evaluated: 2026-07-06. Review status: criteria provided, single submitter. Criteria: Ambry Variant Classification Scheme 2023. Collection method: clinical testing. Allele origin: germline.
Comment: The p.M576T variant (also known as c.1727T>C), located in coding exon 15 of the NF1 gene, results from a T to C substitution at nucleotide position 1727. The methionine at codon 576 is replaced by threonine, an amino acid with similar properties. This amino acid position is conserved. In addition, this alteration is predicted to be tolerated by in silico analysis. Based on the available evidence, the clinical significance of this variant remains unclear.

Labcorp Genetics (formerly Invitae), Labcorp
Classification: Likely benign for Neurofibromatosis, type 1. Last evaluated: 2026-01-27. Review status: criteria provided, single submitter. Criteria: Invitae Variant Classification Sherloc (09022015). Collection method: clinical testing. Allele origin: germline.

Clinical Genetics Laboratory, Skane University Hospital Lund
Classification: Uncertain significance. Last evaluated: 2022-05-27. Review status: criteria provided, single submitter. Criteria: ACMG Guidelines, 2015. Collection method: clinical testing. Allele origin: germline. Affected: yes.

Fulgent Genetics
Classification: Uncertain significance for Neurofibromatosis, type 1; Neurofibromatosis, familial spinal; Café-au-lait macules with pulmonary stenosis; Neurofibromatosis-Noonan syndrome; Juvenile myelomonocytic leukemia. Last evaluated: 2022-05-27. Review status: criteria provided, single submitter. Criteria: ACMG Guidelines, 2015. Collection method: clinical testing. Allele origin: unknown.